The following is an entry in ClinVar:

NM_024675.4(PALB2):c.2742C>G (p.Phe914Leu)

Gene: PALB2 (partner and localizer of BRCA2; minus strand). Cytogenetic location: 16p12.2.
Variant type: single nucleotide variant.
Coding change: c.2742C>G on transcript NM_024675.4 (MANE Select); coding-DNA position 2742, C replaced by G.
Protein change: p.Phe914Leu; replaces phenylalanine 914 with leucine.
Molecular consequence: missense variant.
Genome position (GRCh38, 1-based): chr16:23,626,242, G>C on the plus strand (C>G on the coding strand, the complement: PALB2 is on the minus strand). VCF-style: chr16-23626242-G-C. GRCh37 (hg19) VCF-style: chr16-23637563-G-C.
Other names: c.2682C>G, p.Phe894Leu (NM_001407296.1); c.2670C>G, p.Phe890Leu (NM_001407297.1); c.2742C>G, p.Phe914Leu (NM_001407299.1, NM_001407300.1, NM_001407301.1); c.1857C>G, p.Phe619Leu (NM_001407304.1, NM_001407305.1, NM_001407306.1 and 4 more transcripts); c.954C>G, p.Phe318Leu (NM_001407312.1, NM_001407313.1); c.276C>G, p.Phe92Leu (NM_001407314.1); short protein forms F619L, F894L, F914L, F890L, F92L, F318L.
Identifiers: ClinVar variation 1795451 (VCV001795451.2), dbSNP rs115759702, ClinGen allele CA395121825.

ClinVar aggregate classification (germline): Uncertain significance (1 of 4 stars; one submission).

Conditions:
Hereditary cancer-predisposing syndrome. Also called: Tumor predisposition; Hereditary Cancer Syndrome; Neoplastic Syndromes, Hereditary; Hereditary neoplastic syndrome. Identifiers: Orphanet 140162, MedGen C0027672, MeSH D009386, MONDO:0015356.

Submission:

Ambry Genetics
Classification: Uncertain significance for Hereditary cancer-predisposing syndrome. Last evaluated: 2020-10-21. Review status: criteria provided, single submitter. Criteria: Ambry Variant Classification Scheme 2023. Collection method: clinical testing. Allele origin: germline.
Comment: The p.F914L variant (also known as c.2742C>G), located in coding exon 7 of the PALB2 gene, results from a C to G substitution at nucleotide position 2742. The phenylalanine at codon 914 is replaced by leucine, an amino acid with highly similar properties. This amino acid position is well conserved in available vertebrate species. In addition, this alteration is predicted to be tolerated by in silico analysis. Since supporting evidence is limited at this time, the clinical significance of this alteration remains unclear.